The following is an entry in ClinVar:

ClinVar aggregate classification (germline): Uncertain significance (1 of 4 stars; one submission).

Conditions:
Hereditary hemorrhagic telangiectasia (HHT). Also called: ORW DISEASE; Osler Weber Rendu syndrome; OSLER-RENDU-WEBER DISEASE; Osler hemorrhagic telangiectasia syndrome. Identifiers: Orphanet 774, MedGen C0039445, MONDO:0019180. Disease mechanism: loss of function.

Submission:

Labcorp Genetics (formerly Invitae), Labcorp
Classification: Uncertain significance for Hereditary hemorrhagic telangiectasia. Last evaluated: 2024-07-06. Review status: criteria provided, single submitter. Criteria: Invitae Variant Classification Sherloc (09022015). Collection method: clinical testing. Allele origin: germline.
Comment: This sequence change replaces histidine, which is basic and polar, with glutamine, which is neutral and polar, at codon 535 of the ENG protein (p.His535Gln). This variant is not present in population databases (gnomAD no frequency). This variant has not been reported in the literature in individuals affected with ENG-related conditions. Advanced modeling of protein sequence and biophysical properties (such as structural, functional, and spatial information, amino acid conservation, physicochemical variation, residue mobility, and thermodynamic stability) performed at Invitae indicates that this missense variant is not expected to disrupt ENG protein function with a negative predictive value of 95%. In summary, the available evidence is currently insufficient to determine the role of this variant in disease. Therefore, it has been classified as a Variant of Uncertain Significance.

NM_001114753.3(ENG):c.1605C>A (p.His535Gln)

Genes: ENG (endoglin; minus strand), LOC102723566 (uncharacterized LOC102723566; plus strand). Cytogenetic location: 9q34.11.
Variant type: single nucleotide variant.
Coding change: c.1605C>A on transcript NM_001114753.3 (MANE Select); coding-DNA position 1605, C replaced by A.
Protein change: p.His535Gln; replaces histidine 535 with glutamine.
Molecular consequence: missense variant.
Genome position (GRCh38, 1-based): chr9:127,818,201, G>T on the plus strand (C>A on the coding strand, the complement: ENG is on the minus strand). VCF-style: chr9-127818201-G-T. GRCh37 (hg19) VCF-style: chr9-130580480-G-T.
Other names: c.1605C>A, p.His535Gln (NM_000118.4); c.1059C>A, p.His353Gln (NM_001278138.2); short protein forms H535Q, H353Q.
Identifiers: ClinVar variation 3672473 (VCV003672473.2).